The following is an entry in ClinVar:

NM_000535.7(PMS2):c.1853del (p.Leu618fs)

Gene: PMS2 (PMS1 homolog 2, mismatch repair system component; minus strand). Cytogenetic location: 7p22.1.
Variant type: Deletion.
Coding change: c.1853del on transcript NM_000535.7 (MANE Select); coding-DNA position 1853, one base deleted (T; older notation c.1853delT).
Protein change: p.Leu618fs; shifts the reading frame from leucine 618.
Molecular consequence: frameshift variant. On other transcripts: non-coding transcript variant (1).
Genome position (GRCh38, 1-based): chr7:5,986,912, A deleted on the plus strand (T on the coding strand, the reverse complement: PMS2 is on the minus strand). VCF-style (leftmost placement, unchanged base first): chr7-5986911-CA-C. GRCh37 (hg19) VCF-style: chr7-6026542-CA-C.
Other names: c.1448del, p.Leu483fs (NM_001322003.2, NM_001322004.2, NM_001322005.2 and 1 more transcripts); c.1697del, p.Leu566fs (NM_001322006.2); c.1535del, p.Leu512fs (NM_001322007.2, NM_001322008.2); c.1292del, p.Leu431fs (NM_001322010.2); c.920del, p.Leu307fs (NM_001322011.2, NM_001322012.2); c.1448delT, p.Leu483Argfs (NM_001018040.1, NM_001406887.1, NM_001406888.1 and 13 more transcripts); c.1280del, p.Leu427fs (NM_001322013.2); c.1853del, p.Leu618fs (NM_001322014.2); and 19 more; short protein forms L427fs, L483fs, L618fs, L431fs, L515fs, L566fs, L307fs, L512fs.
Identifiers: ClinVar variation 2027772 (VCV002027772.5), dbSNP rs2535722631, ClinGen allele CA2580076872.

ClinVar aggregate classification (germline): Pathogenic. Review status: criteria provided, multiple submitters, no conflicts (2 of 4 stars). 2 submissions from 2 submitters: Pathogenic (2). Last evaluated 2023-10-30.

Conditions:
Hereditary cancer-predisposing syndrome. Also called: Hereditary Cancer Syndrome; Tumor predisposition; Neoplastic Syndromes, Hereditary; Hereditary neoplastic syndrome. Identifiers: Orphanet 140162, MedGen C0027672, MeSH D009386, MONDO:0015356.
Hereditary nonpolyposis colorectal neoplasms. Identifiers: MedGen C0009405, MeSH D003123.

Allele frequency attached by ClinVar (database versions not stated): gnomAD exomes below 0.00001.

Submissions (2):

Ambry Genetics
Classification: Pathogenic for Hereditary cancer-predisposing syndrome. Last evaluated: 2023-10-30. Review status: criteria provided, single submitter. Criteria: Ambry Variant Classification Scheme 2023. Collection method: clinical testing. Allele origin: germline.
Comment: The c.1853delT pathogenic mutation, located in coding exon 11 of the PMS2 gene, results from a deletion of one nucleotide at nucleotide position 1853, causing a translational frameshift with a predicted alternate stop codon (p.L618Rfs*5). This variant is considered to be rare based on population cohorts in the Genome Aggregation Database (gnomAD). This alteration is expected to result in loss of function by premature protein truncation or nonsense-mediated mRNA decay. As such, this alteration is interpreted as a disease-causing mutation.

Labcorp Genetics (formerly Invitae), Labcorp
Classification: Pathogenic for Hereditary nonpolyposis colorectal neoplasms. Last evaluated: 2023-08-07. Review status: criteria provided, single submitter. Criteria: Invitae Variant Classification Sherloc (09022015). Collection method: clinical testing. Allele origin: germline.
Comment: For these reasons, this variant has been classified as Pathogenic. ClinVar contains an entry for this variant (Variation ID: 2027772). This variant has not been reported in the literature in individuals affected with PMS2-related conditions. This variant is not present in population databases (gnomAD no frequency). This sequence change creates a premature translational stop signal (p.Leu618Argfs*5) in the PMS2 gene. It is expected to result in an absent or disrupted protein product. Loss-of-function variants in PMS2 are known to be pathogenic (PMID: 21376568, 24362816).

Literature cited by the submitters: PubMed 21376568 (cited by Labcorp Genetics (formerly Invitae), Labcorp); PubMed 24362816 (cited by Labcorp Genetics (formerly Invitae), Labcorp).